The following is an entry in ClinVar:

NM_004958.4(MTOR):c.4686+4A>G

Genes: MTOR (mechanistic target of rapamycin kinase; minus strand), MTOR-AS1 (MTOR antisense RNA 1; plus strand). Cytogenetic location: 1p36.22.
Variant type: single nucleotide variant.
Coding change: c.4686+4A>G on transcript NM_004958.4 (MANE Select); 4 bases into the intron after coding-DNA position 4686, A replaced by G.
Molecular consequence: intron variant.
Genome position (GRCh38, 1-based): chr1:11,146,672, T>C on the plus strand (A>G on the coding strand, the complement: MTOR is on the minus strand). VCF-style: chr1-11146672-T-C. GRCh37 (hg19) VCF-style: chr1-11206729-T-C.
Other names: c.3438+4A>G (NM_001386501.1); c.4686+4A>G (NM_001386500.1).
Identifiers: ClinVar variation 2032193 (VCV002032193.4), dbSNP rs768983077, ClinGen allele CA589581.

ClinVar aggregate classification (germline): Uncertain significance (1 of 4 stars; one submission).

Allele frequency attached by ClinVar (database versions not stated): ExAC 0.00001.

Submission:

Labcorp Genetics (formerly Invitae), Labcorp
Classification: Uncertain significance. Last evaluated: 2021-12-21. Review status: criteria provided, single submitter. Criteria: Invitae Variant Classification Sherloc (09022015). Collection method: clinical testing. Allele origin: germline.
Comment: In summary, the available evidence is currently insufficient to determine the role of this variant in disease. Therefore, it has been classified as a Variant of Uncertain Significance. Variants that disrupt the consensus splice site are a relatively common cause of aberrant splicing (PMID: 17576681, 9536098). Algorithms developed to predict the effect of sequence changes on RNA splicing suggest that this variant may disrupt the consensus splice site. This variant has not been reported in the literature in individuals affected with MTOR-related conditions. This variant is present in population databases (rs768983077, gnomAD 0.0009%). This sequence change falls in intron 32 of the MTOR gene. It does not directly change the encoded amino acid sequence of the MTOR protein. It affects a nucleotide within the consensus splice site.

Literature cited by the submitters: PubMed 17576681; PubMed 9536098.